The following is an entry in ClinVar:

ClinVar aggregate classification (germline): Benign (0 of 4 stars; one submission).

Conditions:
SLC1A5-related disorder. Also called: SLC1A5-related condition.

Allele frequency attached by ClinVar (database versions not stated): gnomAD exomes 0.00099; ExAC 0.00369; gnomAD 0.01038; 1000 Genomes Project 0.01118; TOPMed 0.01157; ESP Exome Variant Server 0.01361; 1000 Genomes Project 30x 0.01374.
gnomAD v4.1: 3,065 of 1,613,770 alleles (0.19%); highest among the groups gnomAD compares: African/African-American, 3.7%; 53 homozygotes.

Submission:

PreventionGenetics, part of Exact Sciences
Classification: Benign for SLC1A5-related condition. Last evaluated: 2020-02-14. Review status: no assertion criteria provided. Collection method: clinical testing. Allele origin: germline.
Comment: This variant is classified as benign based on ACMG/AMP sequence variant interpretation guidelines (Richards et al. 2015 PMID: 25741868, with internal and published modifications).

NM_005628.3(SLC1A5):c.1404C>T (p.Thr468=)

Gene: SLC1A5 (solute carrier family 1 member 5; minus strand). Cytogenetic location: 19q13.32.
Variant type: single nucleotide variant.
Coding change: c.1404C>T on transcript NM_005628.3 (MANE Select); coding-DNA position 1404, C replaced by T.
Protein change: p.Thr468=; no amino-acid change (threonine 468 retained).
Molecular consequence: synonymous variant.
Genome position (GRCh38, 1-based): chr19:46,775,732, G>A on the plus strand (C>T on the coding strand, the complement: SLC1A5 is on the minus strand). VCF-style: chr19-46775732-G-A. GRCh37 (hg19) VCF-style: chr19-47278989-G-A.
Other names: c.720C>T, p.Thr240= (NM_001145144.2); c.798C>T, p.Thr266= (NM_001145145.2).
Identifiers: ClinVar variation 3049426 (VCV003049426.2), dbSNP rs73940768, ClinGen allele CA9532404.